The following is an entry in ClinVar:

ClinVar aggregate classification (germline): Uncertain significance (1 of 4 stars; one submission).

Conditions:
Idiopathic generalized epilepsy. Also called: Generalised epilepsy; EIG. Identifiers: MedGen C0270850, MONDO:0005579, OMIM 600669.

Submission:

Labcorp Genetics (formerly Invitae), Labcorp
Classification: Uncertain significance for Idiopathic generalized epilepsy. Last evaluated: 2023-02-02. Review status: criteria provided, single submitter. Criteria: Invitae Variant Classification Sherloc (09022015). Collection method: clinical testing. Allele origin: germline.
Comment: This sequence change replaces threonine, which is neutral and polar, with alanine, which is neutral and non-polar, at codon 62 of the RBFOX1 protein (p.Thr62Ala). This variant is not present in population databases (gnomAD no frequency). This variant has not been reported in the literature in individuals affected with RBFOX1-related conditions. Advanced modeling of protein sequence and biophysical properties (such as structural, functional, and spatial information, amino acid conservation, physicochemical variation, residue mobility, and thermodynamic stability) performed at Invitae indicates that this missense variant is not expected to disrupt RBFOX1 protein function. In summary, the available evidence is currently insufficient to determine the role of this variant in disease. Therefore, it has been classified as a Variant of Uncertain Significance.

NM_018723.4(RBFOX1):c.124A>G (p.Thr42Ala)

Gene: RBFOX1 (RNA binding fox-1 homolog 1; plus strand). Cytogenetic location: 16p13.3.
Variant type: single nucleotide variant.
Coding change: c.124A>G on transcript NM_018723.4 (MANE Select); coding-DNA position 124, A replaced by G.
Protein change: p.Thr42Ala; replaces threonine 42 with alanine.
Molecular consequence: missense variant.
Genome position (GRCh38, 1-based): chr16:7,518,243, A>G. VCF-style: chr16-7518243-A-G. GRCh37 (hg19) VCF-style: chr16-7568245-A-G.
Other names: c.124A>G, p.Thr42Ala (NM_001142334.2, NM_001364800.2, NM_001142333.2 and 1 more transcripts); c.721A>G, p.Thr241Ala (NM_001415888.1, NM_001415887.1); c.232A>G, p.Thr78Ala (NM_001415889.1, NM_001415892.1, NM_001415894.1 and 5 more transcripts); c.199A>G, p.Thr67Ala (NM_001415890.1, NM_001415893.1, NM_001415899.1 and 4 more transcripts); c.253A>G, p.Thr85Ala (NM_001415891.1, NM_001308117.1, NM_001411047.1 and 5 more transcripts); c.184A>G, p.Thr62Ala (NM_001415896.1, NM_001415904.1, NM_001415906.1 and 4 more transcripts); c.130A>G, p.Thr44Ala (NM_001415902.1, NM_001415911.1, NM_001415917.1); short protein forms T62A, T241A, T67A, T85A, T42A, T44A, T78A.
Identifiers: ClinVar variation 2833984 (VCV002833984.3), dbSNP rs1370492285, ClinGen allele CA394796491.